The following is an entry in ClinVar:

NM_001943.5(DSG2):c.1670A>C (p.Gln557Pro)

Gene: DSG2 (desmoglein 2; plus strand). Cytogenetic location: 18q12.1.
Variant type: single nucleotide variant.
Coding change: c.1670A>C on transcript NM_001943.5 (MANE Select); coding-DNA position 1670, A replaced by C.
Protein change: p.Gln557Pro; replaces glutamine 557 with proline.
Molecular consequence: missense variant.
Genome position (GRCh38, 1-based): chr18:31,538,769, A>C. VCF-style: chr18-31538769-A-C. GRCh37 (hg19) VCF-style: chr18-29118732-A-C.
Other names: short protein forms Q557P.
Identifiers: ClinVar variation 926253 (VCV000926253.5), dbSNP rs2073247474, ClinGen allele CA402136865.

ClinVar aggregate classification (germline): Uncertain significance (1 of 4 stars; one submission).

Conditions:
Cardiomyopathy (CMYO). Also called: Cardiomyopathies. Identifiers: Orphanet 167848, MedGen C0878544, MONDO:0004994, HP:0001638. Inheritance: Various modes of inheritance.

Submission:

Color Diagnostics, LLC DBA Color Health
Classification: Uncertain significance for Cardiomyopathy. Last evaluated: 2023-12-04. Review status: criteria provided, single submitter. Criteria: ACMG Guidelines, 2015. Collection method: clinical testing. Allele origin: germline.
Comment: Variant of Uncertain Significance due to insufficient evidence: This missense variant replaces glutamine with proline at codon 557 of the DSG2 protein. Computational prediction tools and conservation analyses are inconclusive regarding the impact of this variant on the protein function. Computational splicing tools suggest that this variant may not impact RNA splicing. To our knowledge, functional assays have not been performed for this variant nor has this variant been reported in individuals affected with cardiovascular disorders in the literature. This variant is rare in the general population and has been identified in 0/277264 chromosomes by the Genome Aggregation Database (gnomAD). Available evidence is insufficient to determine the role of this variant in disease conclusively.